The following is an entry in ClinVar:

NM_005609.4(PYGM):c.658C>T (p.Gln220Ter)

Gene: PYGM (glycogen phosphorylase, muscle associated; minus strand). Cytogenetic location: 11q13.1.
Variant type: single nucleotide variant.
Coding change: c.658C>T on transcript NM_005609.4 (MANE Select); coding-DNA position 658, C replaced by T.
Protein change: p.Gln220Ter; replaces glutamine 220 with a stop codon.
Molecular consequence: nonsense.
Genome position (GRCh38, 1-based): chr11:64,757,781, G>A on the plus strand (C>T on the coding strand, the complement: PYGM is on the minus strand). VCF-style: chr11-64757781-G-A. GRCh37 (hg19) VCF-style: chr11-64525253-G-A.
Other names: c.394C>T, p.Gln132Ter (NM_001164716.1); short protein forms Q132*, Q220*.
Identifiers: ClinVar variation 2976133 (VCV002976133.4), dbSNP rs753533515, ClinGen allele CA381107368.
Genomic context (GRCh38, chr11:64,757,781, plus strand): 5'-GCTTCCTTCTCTTCCCTCCCCTTCTCTGGGCTCCCCTGACCCCCAGCTTCATCCTCACCT[G>A]TGTGTCCACCCACTTGGCACCCTGGCTGGTGTGCTCCACATGGCCGTAGAAGTGCACAGG-3'

ClinVar aggregate classification (germline): Pathogenic/Likely pathogenic. Review status: criteria provided, multiple submitters, no conflicts (2 of 4 stars). 2 submissions from 2 submitters: Pathogenic (1); Likely pathogenic (1). Last evaluated 2024-01-30.

Conditions:
Glycogen storage disease, type V (GSD5). Also called: MCARDLE DISEASE; MUSCLE GLYCOGEN PHOSPHORYLASE DEFICIENCY; MYOPHOSPHORYLASE DEFICIENCY; PYGM DEFICIENCY; McArdle type glycogen storage disease. Identifiers: Orphanet 368, MedGen C0017924, MONDO:0009293, OMIM 232600.

Submissions (2):

Labcorp Genetics (formerly Invitae), Labcorp
Classification: Pathogenic for Glycogen storage disease, type V. Last evaluated: 2024-01-30. Review status: criteria provided, single submitter. Criteria: Invitae Variant Classification Sherloc (09022015). Collection method: clinical testing. Allele origin: germline.
Comment: This sequence change creates a premature translational stop signal (p.Gln220*) in the PYGM gene. It is expected to result in an absent or disrupted protein product. Loss-of-function variants in PYGM are known to be pathogenic (PMID: 8316268, 16786513). This variant is not present in population databases (gnomAD no frequency). This variant has not been reported in the literature in individuals affected with PYGM-related conditions. For these reasons, this variant has been classified as Pathogenic.

Baylor Genetics
Classification: Likely pathogenic for Glycogen storage disease, type V. Last evaluated: 2023-11-14. Review status: criteria provided, single submitter. Criteria: ACMG Guidelines, 2015. Collection method: clinical testing. Allele origin: unknown.

Literature cited by the submitters: PubMed 8316268 (cited by Labcorp Genetics (formerly Invitae), Labcorp); PubMed 16786513 (cited by Labcorp Genetics (formerly Invitae), Labcorp).